The following is an entry in ClinVar:

ClinVar aggregate classification (germline): Pathogenic (1 of 4 stars; one submission).

Submission:

Labcorp Genetics (formerly Invitae), Labcorp
Classification: Pathogenic. Last evaluated: 2017-10-04. Review status: criteria provided, single submitter. Criteria: Invitae Variant Classification Sherloc (09022015). Collection method: clinical testing. Allele origin: germline.
Comment: This variant is not present in population databases (ExAC no frequency). This sequence change creates a premature translational stop signal (p.Asp162Thrfs*11) in the CNGA3 gene. It is expected to result in an absent or disrupted protein product. For these reasons, this variant has been classified as Pathogenic. Loss-of-function variants in CNGA3 are known to be pathogenic (PMID: 14757870, 24903488, 25637600). This variant has not been reported in the literature in individuals with CNGA3-related disease.

Literature cited by the submitters: PubMed 14757870; PubMed 24903488; PubMed 25637600.

NM_001298.3(CNGA3):c.484del (p.Asp162fs)

Gene: CNGA3 (cyclic nucleotide gated channel subunit alpha 3; plus strand). Cytogenetic location: 2q11.2.
Variant type: Deletion.
Coding change: c.484del on transcript NM_001298.3 (MANE Select); coding-DNA position 484, one base deleted (G; older notation c.484delG).
Protein change: p.Asp162fs; shifts the reading frame from aspartic acid 162.
Molecular consequence: frameshift variant.
Genome position (GRCh38, 1-based): chr2:98,389,692, G deleted; the last of 2 consecutive G bases (chr2:98,389,691-98,389,692); deleting either gives the same sequence. VCF-style (leftmost placement, unchanged base first): chr2-98389690-TG-T. GRCh37 (hg19) VCF-style: chr2-99006153-TG-T.
Other names: c.430del, p.Asp144fs (NM_001079878.2); short protein forms D144fs, D162fs.
Identifiers: ClinVar variation 1071189 (VCV001071189.7), dbSNP rs1050579652, ClinGen allele CA52624070.